The following is an entry in ClinVar:

ClinVar aggregate classification (germline): Uncertain significance (1 of 4 stars; one submission).

Conditions:
Werner syndrome (WRN). Identifiers: Orphanet 902, MedGen C0043119, MONDO:0010196, OMIM 277700.

Allele frequency attached by ClinVar (database versions not stated): gnomAD 0.00001; TOPMed 0.00003.
gnomAD v4.1: 3 of 1,611,800 alleles (0.00019%); highest among the groups gnomAD compares: African/African-American, 0.0013%; no homozygotes.

Submission:

Labcorp Genetics (formerly Invitae), Labcorp
Classification: Uncertain significance for Werner syndrome. Last evaluated: 2019-09-16. Review status: criteria provided, single submitter. Criteria: Invitae Variant Classification Sherloc (09022015). Collection method: clinical testing. Allele origin: germline.
Comment: This sequence change replaces arginine with lysine at codon 942 of the WRN protein (p.Arg942Lys). The arginine residue is moderately conserved and there is a small physicochemical difference between arginine and lysine. This variant also falls at the last nucleotide of exon 23 of the WRN coding sequence, which is part of the consensus splice site for this exon. This variant is not present in population databases (ExAC no frequency). This variant has not been reported in the literature in individuals with WRN-related disease. Algorithms developed to predict the effect of missense changes on protein structure and function are either unavailable or do not agree on the potential impact of this missense change (SIFT: Tolerated; PolyPhen-2: Possibly Damaging; Align-GVGD: Class C0). Nucleotide substitutions within the consensus splice site are a relatively common cause of aberrant splicing (PMID: 17576681, 9536098). Algorithms developed to predict the effect of sequence changes on RNA splicing suggest that this variant may disrupt the consensus splice site, but this prediction has not been confirmed by published transcriptional studies. In summary, the available evidence is currently insufficient to determine the role of this variant in disease. Therefore, it has been classified as a Variant of Uncertain Significance.

Literature cited by the submitters: PubMed 17576681; PubMed 9536098.

NM_000553.6(WRN):c.2825G>A (p.Arg942Lys)

Gene: WRN (WRN RecQ like helicase; plus strand). Cytogenetic location: 8p12.
Variant type: single nucleotide variant.
Coding change: c.2825G>A on transcript NM_000553.6 (MANE Select); coding-DNA position 2825, G replaced by A.
Protein change: p.Arg942Lys; replaces arginine 942 with lysine.
Molecular consequence: missense variant.
Genome position (GRCh38, 1-based): chr8:31,125,000, G>A. VCF-style: chr8-31125000-G-A. GRCh37 (hg19) VCF-style: chr8-30982516-G-A.
Other names: short protein forms R942K.
Identifiers: ClinVar variation 653158 (VCV000653158.3), dbSNP rs772600753, ClinGen allele CA370917892.
Genomic context (GRCh38, chr8:31,125,000, plus strand): 5'-TACAAAAAGCCTCCTTGGGAATTATGGGAACTGAAAAATGCTGTGATAATTGCAGGTCCA[G>A]GTAAAGATTTCTTATTATAGATGGACATTCTAAAAGTCTTTCTTTCTCTTCCTTTTCATG-3'
Protein context (NP_000544.2, residues 932-952): TEKCCDNCRS[Arg942Lys]LDHCYSMDDS